The following is an entry in ClinVar:

ClinVar aggregate classification (germline): Uncertain significance. Review status: criteria provided, multiple submitters, no conflicts (2 of 4 stars). 3 submissions from 3 submitters: Uncertain significance (2). 1 of the submissions does not count toward it. Last evaluated 2024-10-03.

Conditions:
Agenesis of the corpus callosum with peripheral neuropathy (ACCPN). Also called: CHARLEVOIX DISEASE; HMSN/ACC; Hereditary Motor and Sensory Neuropathy with Agenesis of the Corpus Callosum; POLYNEUROPATHY, SENSORIMOTOR, WITH OR WITHOUT AGENESIS OF THE CORPUS CALLOSUM. Identifiers: Orphanet 1496, MedGen C0795950, MONDO:0000902, OMIM 218000. Disease mechanism: loss of function.

Submissions (3):

Labcorp Genetics (formerly Invitae), Labcorp
Classification: Uncertain significance. Last evaluated: 2024-10-03. Review status: criteria provided, single submitter. Criteria: Invitae Variant Classification Sherloc (09022015). Collection method: clinical testing. Allele origin: germline.
Comment: This variant, c.23_25del, results in the deletion of 1 amino acid(s) of the SLC12A6 protein (p.Thr8del), but otherwise preserves the integrity of the reading frame. This variant is present in population databases (rs768255547, gnomAD 0.009%). This variant has not been reported in the literature in individuals affected with SLC12A6-related conditions. ClinVar contains an entry for this variant (Variation ID: 989787). Experimental studies and prediction algorithms are not available or were not evaluated, and the functional significance of this variant is currently unknown. In summary, the available evidence is currently insufficient to determine the role of this variant in disease. Therefore, it has been classified as a Variant of Uncertain Significance.

Blueprint Genetics
Classification: Uncertain significance. Last evaluated: 2023-12-04. Review status: criteria provided, single submitter. Criteria: ACMG Guidelines, 2015. Collection method: clinical testing. Allele origin: germline.

Natera, Inc.
Classification: Uncertain significance for Andermann syndrome. Last evaluated: 2020-04-18. Review status: no assertion criteria provided. Collection method: clinical testing. Allele origin: germline. Not counted in ClinVar's aggregate classification.

NM_001365088.1(SLC12A6):c.17CCA[2] (p.Thr8del)

Gene: SLC12A6 (solute carrier family 12 member 6; minus strand). Cytogenetic location: 15q14.
Variant type: Microsatellite.
Coding change: c.17CCA[2] on transcript NM_001365088.1 (MANE Select); two copies in a row of the 3-base unit CCA starting at c.17; the reference has three copies in a row; one copy, 3 bases deleted.
Protein change: p.Thr8del; deletes threonine 8.
Molecular consequence: inframe deletion. On other transcripts: 5 prime UTR variant (1), intron variant (2).
Genome position (GRCh38, 1-based): chr15:34,336,656-34,336,658, TGG deleted on the plus strand (CCA on the coding strand, the reverse complement: SLC12A6 is on the minus strand); deleting any 3 consecutive bases within chr15:34,336,656-34,336,665 gives the same sequence; the position shown is the placement nearest the transcript's 3' end. VCF-style (leftmost placement, unchanged base first): chr15-34336655-TTGG-T. GRCh37 (hg19) VCF-style: chr15-34628856-TTGG-T.
Other names: c.-11CCA[2] (NM_001042496.2); c.17CCA[2], p.Thr8del (NM_001042497.2, NM_133647.2); c.-98-63CCA[2] (NM_001042495.2, NM_001042494.2); short protein forms T8del.
Identifiers: ClinVar variation 989787 (VCV000989787.6), dbSNP rs768255547, ClinGen allele CA7464726.